The following is an entry in ClinVar:

NM_001143775.2(CTDNEP1):c.124C>T (p.Arg42Ter)

Gene: CTDNEP1 (CTD nuclear envelope phosphatase 1; minus strand). Cytogenetic location: 17p13.1.
Variant type: single nucleotide variant.
Coding change: c.124C>T on transcript NM_001143775.2 (MANE Select); coding-DNA position 124, C replaced by T.
Protein change: p.Arg42Ter; replaces arginine 42 with a stop codon.
Molecular consequence: nonsense.
Genome position (GRCh38, 1-based): chr17:7,247,322, G>A on the plus strand (C>T on the coding strand, the complement: CTDNEP1 is on the minus strand). VCF-style: chr17-7247322-G-A. GRCh37 (hg19) VCF-style: chr17-7150641-G-A.
Other names: c.124C>T, p.Arg42Ter (NM_015343.5); short protein forms R42*.
Identifiers: ClinVar variation 4530125 (VCV004530125.1).

ClinVar aggregate classification (somatic clinical impact): Tier II - Potential (1 of 4 stars; one submission).

Conditions:
Medulloblastoma non-WNT/non-SHH group 3. Identifiers: MedGen C4330665, MONDO:0956966.

gnomAD v4.1: 1 of 1,613,808 alleles (0.000062%); highest among the groups gnomAD compares: Admixed American, 0.0017%; no homozygotes.

Submission:

Institute for Genomic Medicine (IGM) Clinical Laboratory, Nationwide Children's Hospital
Classification: Tier II - Potential for Medulloblastoma non-WNT/non-SHH group 3. Assertion type: diagnostic. Clinical significance: supports diagnosis. Last evaluated: 2022-10-11. Review status: criteria provided, single submitter. Criteria: AMP/ASCO/CAP Guidelines, 2017. Collection method: clinical testing. Allele origin: somatic. Affected: yes.
Comment: Variant has Tier II (potential) clinical significance as a diagnostic inclusion criterion in medulloblastoma non-WNT/non-SHH group 3, based on the following evidence: 1) Documented in one or more cancer databases (e.g., St. Jude Pecan, COSMIC, CIViC, OncoKB). 2) Appears in one or more well-established professional guidelines (e.g., World Health Organization [WHO]; National Comprehensive Cancer Network [NCCN]) as providing diagnostic, prognostic, or therapeutic information. 3) Assists in diagnosis alone or along with other biomarkers based on small studies or few case reports (Evidence Level D; PMIDs: 31574483, 22832583, 34852214).

Literature cited by the submitters: PubMed 31574483; PubMed 22832583; PubMed 34852214.